The following is an entry in ClinVar:

NM_000492.4(CFTR):c.4018G>C (p.Val1340Leu)

Gene: CFTR (CF transmembrane conductance regulator; plus strand). Cytogenetic location: 7q31.2.
Variant type: single nucleotide variant.
Coding change: c.4018G>C on transcript NM_000492.4 (MANE Select); coding-DNA position 4018, G replaced by C.
Protein change: p.Val1340Leu; replaces valine 1340 with leucine.
Molecular consequence: missense variant.
Genome position (GRCh38, 1-based): chr7:117,664,742, G>C. VCF-style: chr7-117664742-G-C. GRCh37 (hg19) VCF-style: chr7-117304796-G-C.
Other names: short protein forms V1340L.
Identifiers: ClinVar variation 455777 (VCV000455777.8), dbSNP rs1554397492, ClinGen allele CA368982236.
Genomic context (GRCh38, chr7:117,664,742, plus strand): 5'-CTGCAGGTTGGGCTCAGATCTGTGATAGAACAGTTTCCTGGGAAGCTTGACTTTGTCCTT[G>C]TGGATGGGGGCTGTGTCCTAAGCCATGGCCACAAGCAGTTGATGTGCTTGGCTAGATCTG-3'
Protein context (NP_000483.3, residues 1330-1350): QFPGKLDFVL[Val1340Leu]DGGCVLSHGH

ClinVar aggregate classification (germline): Uncertain significance (1 of 4 stars; one submission).

Conditions:
Cystic fibrosis (CF). Also called: MUCOVISCIDOSIS. Identifiers: Orphanet 586, MedGen C0010674, MONDO:0009061, OMIM 219700. Disease mechanism: loss of function.

Allele frequency attached by ClinVar (database versions not stated): TOPMed 0.00001.

Submission:

Labcorp Genetics (formerly Invitae), Labcorp
Classification: Uncertain significance for Cystic fibrosis. Last evaluated: 2017-01-13. Review status: criteria provided, single submitter. Criteria: Invitae Variant Classification Sherloc (09022015). Collection method: clinical testing. Allele origin: germline.
Comment: This sequence change replaces valine with leucine at codon 1340 of the CFTR protein (p.Val1340Leu). The valine residue is weakly conserved and there is a small physicochemical difference between valine and leucine. This variant is not present in population databases (ExAC no frequency) and has not been reported in the literature in individuals with a CFTR-related disease. Algorithms developed to predict the effect of missense changes on protein structure and function output the following: (SIFT: "Tolerated"; PolyPhen-2: "Benign"; Align-GVGD: "Class C0"). The leucine amino acid residue is found in multiple mammalian species, suggesting that this missense change does not adversely affect protein function. These predictions have not been confirmed by published functional studies. In summary, this variant is a novel missense change that is not predicted to affect protein function. There is no indication that it causes disease, but the available evidence is currently insufficient to prove that conclusively. Therefore, it has been classified as a Variant of Uncertain Significance.